The following is an entry in ClinVar:

NM_001429.4(EP300):c.2029C>G (p.Gln677Glu)

Gene: EP300 (EP300 lysine acetyltransferase; plus strand). Cytogenetic location: 22q13.2.
Variant type: single nucleotide variant.
Coding change: c.2029C>G on transcript NM_001429.4 (MANE Select); coding-DNA position 2029, C replaced by G.
Protein change: p.Gln677Glu; replaces glutamine 677 with glutamic acid.
Molecular consequence: missense variant.
Genome position (GRCh38, 1-based): chr22:41,141,198, C>G. VCF-style: chr22-41141198-C-G. GRCh37 (hg19) VCF-style: chr22-41537202-C-G.
Other names: c.2029C>G, p.Gln677Glu (NM_001362843.2); short protein forms Q677E.
Identifiers: ClinVar variation 4988086 (VCV004988086.1).

ClinVar aggregate classification (germline): Uncertain significance (1 of 4 stars; one submission).

Conditions:
EP300-related disorder. Also called: EP300-related condition; EP300-related disorders.

gnomAD v4.1: 11 of 1,614,172 alleles (0.00068%); highest among the groups gnomAD compares: Non-Finnish European, 0.00085%; no homozygotes.

Submission:

PreventionGenetics, part of Exact Sciences
Classification: Uncertain significance for EP300-related condition. Last evaluated: 2025-11-17. Review status: criteria provided, single submitter. Criteria: ACMG Guidelines, 2015. Collection method: clinical testing. Allele origin: germline.
Comment: The EP300 c.2029C>G variant is predicted to result in the amino acid substitution p.Gln677Glu. To our knowledge, this variant has not been reported in the literature. This variant is reported in 0.00088% of alleles in individuals of European (Non-Finnish) descent in gnomAD. At this time, the clinical significance of this variant is uncertain due to the absence of conclusive functional and genetic evidence.